The following is an entry in ClinVar:

ClinVar aggregate classification (germline): Pathogenic (1 of 4 stars; one submission).

Conditions:
Hypercholesterolemia, familial, 4 (FHCL4). Also called: HYPERCHOLESTEROLEMIA, AUTOSOMAL RECESSIVE, 1; HYPERCHOLESTEROLEMIA, AUTOSOMAL RECESSIVE, 2. Identifiers: Orphanet 391665, MedGen C1863512, MONDO:0011374, OMIM 603813.

Submission:

Labcorp Genetics (formerly Invitae), Labcorp
Classification: Pathogenic for Hypercholesterolemia, familial, 4. Last evaluated: 2024-07-02. Review status: criteria provided, single submitter. Criteria: Invitae Variant Classification Sherloc (09022015). Collection method: clinical testing. Allele origin: germline.
Comment: This sequence change creates a premature translational stop signal (p.Gln163*) in the LDLRAP1 gene. It is expected to result in an absent or disrupted protein product. Loss-of-function variants in LDLRAP1 are known to be pathogenic (PMID: 11326085, 12464675). This variant is not present in population databases (gnomAD no frequency). This variant has not been reported in the literature in individuals affected with LDLRAP1-related conditions. ClinVar contains an entry for this variant (Variation ID: 296981). Algorithms developed to predict the effect of sequence changes on RNA splicing suggest that this variant may disrupt the consensus splice site. For these reasons, this variant has been classified as Pathogenic.

Literature cited by the submitters: PubMed 11326085; PubMed 12464675.

NM_015627.3(LDLRAP1):c.487C>T (p.Gln163Ter)

Gene: LDLRAP1 (low density lipoprotein receptor adaptor protein 1; plus strand). Cytogenetic location: 1p36.11.
Variant type: single nucleotide variant.
Coding change: c.487C>T on transcript NM_015627.3 (MANE Select); coding-DNA position 487, C replaced by T.
Protein change: p.Gln163Ter; replaces glutamine 163 with a stop codon.
Molecular consequence: nonsense.
Genome position (GRCh38, 1-based): chr1:25,562,671, C>T. VCF-style: chr1-25562671-C-T. GRCh37 (hg19) VCF-style: chr1-25889162-C-T.
Other names: short protein forms Q163*.
Identifiers: ClinVar variation 296981 (VCV000296981.9), dbSNP rs1057515537, ClinGen allele CA10610800.